The following is an entry in ClinVar:

ClinVar aggregate classification (germline): Uncertain significance (1 of 4 stars; one submission).

Conditions:
Joubert syndrome 22 (JBTS22). Identifiers: Orphanet 2754, MedGen C3810278, MONDO:0014297, OMIM 615665.

Allele frequency attached by ClinVar (database versions not stated): ExAC 0.00001; gnomAD exomes 0.00001; gnomAD 0.00003; TOPMed 0.00003.
gnomAD v4.1: 13 of 1,613,692 alleles (0.00081%); highest among the groups gnomAD compares: African/African-American, 0.004%; no homozygotes.

Submission:

Labcorp Genetics (formerly Invitae), Labcorp
Classification: Uncertain significance for Joubert syndrome 22. Last evaluated: 2023-10-03. Review status: criteria provided, single submitter. Criteria: Invitae Variant Classification Sherloc (09022015). Collection method: clinical testing. Allele origin: germline.
Comment: This sequence change replaces arginine, which is basic and polar, with glutamine, which is neutral and polar, at codon 61 of the PDE6D protein (p.Arg61Gln). This variant is present in population databases (rs770557397, gnomAD 0.007%). This variant has not been reported in the literature in individuals affected with PDE6D-related conditions. ClinVar contains an entry for this variant (Variation ID: 1912702). An algorithm developed to predict the effect of missense changes on protein structure and function (PolyPhen-2) suggests that this variant is likely to be disruptive. In summary, the available evidence is currently insufficient to determine the role of this variant in disease. Therefore, it has been classified as a Variant of Uncertain Significance.

NM_002601.4(PDE6D):c.182G>A (p.Arg61Gln)

Gene: PDE6D (phosphodiesterase 6D; minus strand). Cytogenetic location: 2q37.1.
Variant type: single nucleotide variant.
Coding change: c.182G>A on transcript NM_002601.4 (MANE Select); coding-DNA position 182, G replaced by A.
Protein change: p.Arg61Gln; replaces arginine 61 with glutamine.
Molecular consequence: missense variant.
Genome position (GRCh38, 1-based): chr2:231,738,096, C>T on the plus strand (G>A on the coding strand, the complement: PDE6D is on the minus strand). VCF-style: chr2-231738096-C-T. GRCh37 (hg19) VCF-style: chr2-232602806-C-T.
Other names: c.182G>A, p.Arg61Gln (NM_001291018.2); short protein forms R61Q.
Identifiers: ClinVar variation 1912702 (VCV001912702.5), dbSNP rs770557397, ClinGen allele CA2163227.
Genomic context (GRCh38, chr2:231,738,096, plus strand): 5'-TAAACTTTTTGTTCCAGGCGGAATTTTTCCATTTGTTCTGTCGAAGAAAAATTAAGTTCT[C>T]GAGACACTGCCTTGCACTTGAGGATTTTCTTGGGAACACGGGCTGGTAAGAGAAAAACAA-3'
Protein context (NP_002592.1, residues 51-71): KKILKCKAVS[Arg61Gln]ELNFSSTEQM